The following is an entry in ClinVar:

ClinVar aggregate classification (germline): Pathogenic (1 of 4 stars; one submission).

Conditions:
Familial adenomatous polyposis 1 (FAP1). Also called: POLYPOSIS, ADENOMATOUS INTESTINAL; FAMILIAL ADENOMATOUS POLYPOSIS 1, ATTENUATED. Identifiers: MedGen C2713442, MONDO:0021056, OMIM 175100. Disease mechanism: loss of function.

Submission:

Labcorp Genetics (formerly Invitae), Labcorp
Classification: Pathogenic for Familial adenomatous polyposis 1. Last evaluated: 2023-10-13. Review status: criteria provided, single submitter. Criteria: Invitae Variant Classification Sherloc (09022015). Collection method: clinical testing. Allele origin: germline.
Comment: This sequence change creates a premature translational stop signal (p.Val588Glyfs*4) in the APC gene. It is expected to result in an absent or disrupted protein product. Loss-of-function variants in APC are known to be pathogenic (PMID: 17963004, 20685668). This variant is not present in population databases (gnomAD no frequency). This variant has not been reported in the literature in individuals affected with APC-related conditions. ClinVar contains an entry for this variant (Variation ID: 1452747). For these reasons, this variant has been classified as Pathogenic.

Literature cited by the submitters: PubMed 17963004; PubMed 20685668.

NM_000038.6(APC):c.1762_1763insGGGCG (p.Val588fs)

Gene: APC (APC regulator of Wnt signaling pathway; plus strand). Cytogenetic location: 5q22.2.
Variant type: Insertion.
Coding change: c.1762_1763insGGGCG on transcript NM_000038.6 (MANE Select); coding-DNA positions 1762 to 1763, GGGCG inserted.
Protein change: p.Val588fs; shifts the reading frame from valine 588.
Molecular consequence: frameshift variant.
Genome position: GRCh38 VCF-style: chr5-112834966-A-AGCGGG. GRCh37 (hg19) VCF-style: chr5-112170663-A-AGCGGG.
Other names: c.1762_1763insGGGCG, p.Val588fs (NM_001127510.3, NM_001354895.2); c.1708_1709insGGGCG, p.Val570fs (NM_001127511.3); c.1816_1817insGGGCG, p.Val606fs (NM_001354896.2); c.1792_1793insGGGCG, p.Val598fs (NM_001354897.2); c.1687_1688insGGGCG, p.Val563fs (NM_001354898.2); c.1678_1679insGGGCG, p.Val560fs (NM_001354899.2); c.1639_1640insGGGCG, p.Val547fs (NM_001354900.2); c.1585_1586insGGGCG, p.Val529fs (NM_001354901.2); and 5 more; short protein forms V547fs, V560fs, V563fs, V529fs, V588fs, V305fs, V462fs, V428fs.
Identifiers: ClinVar variation 1452747 (VCV001452747.6), dbSNP rs2149841054, ClinGen allele CA2573138912.